The following is an entry in ClinVar:

NM_013289.4(KIR3DL1):c.487G>A (p.Asp163Asn)

Gene: KIR3DL1 (killer cell immunoglobulin like receptor, three Ig domains and long cytoplasmic tail 1). Cytogenetic location: 19q13.42.
Variant type: single nucleotide variant.
Coding change: c.487G>A on transcript NM_013289.4 (MANE Select); coding-DNA position 487, G replaced by A.
Protein change: p.Asp163Asn; replaces aspartic acid 163 with asparagine.
Molecular consequence: missense variant.
Genome position (GRCh38, 1-based): chr19:54,819,844, G>A. VCF-style: chr19-54819844-G-A. GRCh37 (hg19) VCF-style: chr19-55331299-G-A.
Other names: short protein forms D163N.
Identifiers: ClinVar variation 2650484 (VCV002650484.24), dbSNP rs62124101, ClinGen allele CA309916494.
Genomic context (GRCh38, chr19:54,819,844, plus strand): 5'-CAATGTTGGTCAGATATCATGTTTGAGCACTTCTTTCTGCACAAAGAGGGGATCTCTAAG[G>A]ACCCCTCACGCCTCGTTGGACAGATCCATGATGGGGTCTCCAAGGCCAATTTCTCCATCG-3'
Protein context (NP_037421.2, residues 153-173): FFLHKEGISK[Asp163Asn]PSRLVGQIHD

ClinVar aggregate classification (germline): Likely benign (1 of 4 stars; one submission).

Allele frequency attached by ClinVar (database versions not stated): 1000 Genomes Project 30x 0.00203; gnomAD 0.00456; TOPMed 0.00563.
gnomAD v4.1: 10,562 of 1,611,838 alleles (0.66%); highest among the groups gnomAD compares: Non-Finnish European, 0.81%; 175 homozygotes.

Submission:

CeGaT Center for Human Genetics Tuebingen
Classification: Likely benign. Last evaluated: 2025-03-01. Review status: criteria provided, single submitter. Criteria: CeGaT Center For Human Genetics Tuebingen Variant Classification Criteria Version 2. Collection method: clinical testing. Allele origin: germline. Affected: yes. Observed: 3 variant alleles.
Comment: KIR3DL1: BP4, BS2